The following is an entry in ClinVar:

NM_022065.5(THADA):c.1210T>C (p.Leu404=)

Gene: THADA (THADA armadillo repeat containing; minus strand). Cytogenetic location: 2p21.
Variant type: single nucleotide variant.
Coding change: c.1210T>C on transcript NM_022065.5 (MANE Select); coding-DNA position 1210, T replaced by C.
Protein change: p.Leu404=; no amino-acid change (leucine 404 retained).
Molecular consequence: synonymous variant. On other transcripts: non-coding transcript variant (2).
Genome position (GRCh38, 1-based): chr2:43,574,855, A>G on the plus strand (T>C on the coding strand, the complement: THADA is on the minus strand). VCF-style: chr2-43574855-A-G. GRCh37 (hg19) VCF-style: chr2-43801994-A-G.
Other names: c.1210T>C, p.Leu404= (NM_001083953.2, NM_001271643.2, NM_001271644.2 and 2 more transcripts); c.1090T>C, p.Leu364= (NM_001345924.2); c.340T>C, p.Leu114= (NM_198554.1).
Identifiers: ClinVar variation 3043659 (VCV003043659.2), dbSNP rs150490089, ClinGen allele CA1633365.
Genomic context (GRCh38, chr2:43,574,855, plus strand): 5'-GCCGGTGCATTTGGAGAAGGTTTTTGAACATGATTTTGGTTTGGTGTCTCAGAGCATCCA[A>G]TGGATGTTCCCAATGGGTATAGACATATTCCAAAAGTCTCCCAACTATACTTGAATTCCC-3'
Protein context (NP_071348.3, residues 394-414): EYVYTHWEHP[Leu404=]DALRHQTKIM

ClinVar aggregate classification (germline): Likely benign (0 of 4 stars; one submission).

Conditions:
THADA-related disorder. Also called: THADA-related condition.

Allele frequency attached by ClinVar (database versions not stated): ExAC 0.00051; gnomAD 0.00163; TOPMed 0.00192; 1000 Genomes Project 30x 0.00234; gnomAD exomes 0.00019; 1000 Genomes Project 0.00240; ESP Exome Variant Server 0.00250.
gnomAD v4.1: 528 of 1,613,996 alleles (0.033%); highest among the groups gnomAD compares: African/African-American, 0.65%; 1 homozygote.

Submission:

PreventionGenetics, part of Exact Sciences
Classification: Likely benign for THADA-related condition. Last evaluated: 2019-02-23. Review status: no assertion criteria provided. Collection method: clinical testing. Allele origin: germline.
Comment: This variant is classified as likely benign based on ACMG/AMP sequence variant interpretation guidelines (Richards et al. 2015 PMID: 25741868, with internal and published modifications).